The following is an entry in ClinVar:

NM_001379200.1(TBX1):c.1292C>T (p.Ala431Val)

Gene: TBX1 (T-box transcription factor 1; plus strand). Cytogenetic location: 22q11.21.
Variant type: single nucleotide variant.
Coding change: c.1292C>T on transcript NM_001379200.1 (MANE Select); coding-DNA position 1292, C replaced by T.
Protein change: p.Ala431Val; replaces alanine 431 with valine.
Molecular consequence: missense variant. On other transcripts: intron variant (2).
Genome position (GRCh38, 1-based): chr22:19,766,644, C>T. VCF-style: chr22-19766644-C-T. GRCh37 (hg19) VCF-style: chr22-19754167-C-T.
Other names: c.1265C>T, p.Ala422Val (NM_080647.1); c.1009+642C>T (NM_005992.1, NM_080646.2); short protein forms A431V, A422V.
Identifiers: ClinVar variation 4737844 (VCV004737844.1).

ClinVar aggregate classification (germline): Uncertain significance (1 of 4 stars; one submission).

Conditions:
DiGeorge syndrome. Also called: THIRD AND FOURTH PHARYNGEAL POUCH SYNDROME; Catch22. Identifiers: Orphanet 567, MedGen C0012236, MONDO:0008564, OMIM 188400.

gnomAD v4.1: 1 of 1,553,776 alleles (0.000064%); highest among the groups gnomAD compares: South Asian, 0.0012%; no homozygotes.

Submission:

Labcorp Genetics (formerly Invitae), Labcorp
Classification: Uncertain significance for DiGeorge syndrome. Last evaluated: 2025-04-02. Review status: criteria provided, single submitter. Criteria: Invitae Variant Classification Sherloc (09022015). Collection method: clinical testing. Allele origin: germline.
Comment: This sequence change replaces alanine, which is neutral and non-polar, with valine, which is neutral and non-polar, at codon 422 of the TBX1 protein (p.Ala422Val). This variant is present in population databases (rs753011413, gnomAD 0.004%). This variant has not been reported in the literature in individuals affected with TBX1-related conditions. An algorithm developed to predict the effect of missense changes on protein structure and function (PolyPhen-2) suggests that this variant is likely to be tolerated. In summary, the available evidence is currently insufficient to determine the role of this variant in disease. Therefore, it has been classified as a Variant of Uncertain Significance.